The following is an entry in ClinVar:

NM_000059.4(BRCA2):c.2621C>G (p.Thr874Ser)

Gene: BRCA2 (BRCA2 DNA repair associated; plus strand). Cytogenetic location: 13q13.1.
Variant type: single nucleotide variant.
Coding change: c.2621C>G on transcript NM_000059.4 (MANE Select); coding-DNA position 2621, C replaced by G.
Protein change: p.Thr874Ser; replaces threonine 874 with serine.
Molecular consequence: missense variant.
Genome position (GRCh38, 1-based): chr13:32,336,976, C>G. VCF-style: chr13-32336976-C-G. GRCh37 (hg19) VCF-style: chr13-32911113-C-G.
Other names: c.2621C>G (NM_000059.3); short protein forms T874S.
Identifiers: ClinVar variation 1496232 (VCV001496232.11), dbSNP rs2137488252, ClinGen allele CA387773199.

ClinVar aggregate classification (germline): Conflicting classifications of pathogenicity. Review status: criteria provided, conflicting classifications (1 of 4 stars). 4 submissions from 4 submitters: Uncertain significance (3); Likely benign (1). Last evaluated 2026-07-07.

Conditions:
Hereditary breast ovarian cancer syndrome. Also called: Hereditary breast and ovarian cancer; Hereditary breast and/or ovarian cancer syndrome; Breast and ovarian cancer; Hereditary breast and ovarian cancer syndrome; Hereditary breast and ovarian cancer syndrome (HBOC); BRCA1- and BRCA2-Associated Hereditary Breast and Ovarian Cancer. Identifiers: Orphanet 145, MedGen C0677776, MeSH D061325, MONDO:0003582. Disease mechanism: loss of function.
Hereditary cancer-predisposing syndrome. Also called: Hereditary Cancer Syndrome; Tumor predisposition; Neoplastic Syndromes, Hereditary; Hereditary neoplastic syndrome. Identifiers: Orphanet 140162, MedGen C0027672, MeSH D009386, MONDO:0015356.

gnomAD v4.1: 1 of 1,584,332 alleles (0.000063%); highest among the groups gnomAD compares: Non-Finnish European, 0.000085%; no homozygotes.

Submissions (4):

Ambry Genetics
Classification: Uncertain significance for Hereditary cancer-predisposing syndrome. Last evaluated: 2026-07-07. Review status: criteria provided, single submitter. Criteria: Ambry Variant Classification Scheme 2023. Collection method: clinical testing. Allele origin: germline.
Comment: The p.T874S variant (also known as c.2621C>G), located in coding exon 10 of the BRCA2 gene, results from a C to G substitution at nucleotide position 2621. The threonine at codon 874 is replaced by serine, an amino acid with similar properties. This amino acid position is conserved. In addition, this alteration is predicted to be tolerated by in silico analysis. Based on the available evidence, the clinical significance of this variant remains unclear.

University of Washington Department of Laboratory Medicine, University of Washington
Classification: Likely benign for Hereditary cancer-predisposing syndrome. Last evaluated: 2023-03-23. Review status: criteria provided, single submitter. Criteria: Dines et al. (Genet Med. 2020). Collection method: curation. Allele origin: germline.
Comment: Missense variant in a coldspot region where missense variants are very unlikely to be pathogenic (PMID:31911673).

BRCA2 exon 11 coldspot. Reclassification based on statistical prior probability.

Blueprint Genetics
Classification: Uncertain significance. Last evaluated: 2023-01-30. Review status: criteria provided, single submitter. Criteria: ACMG Guidelines, 2015. Collection method: clinical testing. Allele origin: germline.

Labcorp Genetics (formerly Invitae), Labcorp
Classification: Uncertain significance for Hereditary breast ovarian cancer syndrome. Last evaluated: 2020-11-03. Review status: criteria provided, single submitter. Criteria: Invitae Variant Classification Sherloc (09022015). Collection method: clinical testing. Allele origin: germline.
Comment: In summary, the available evidence is currently insufficient to determine the role of this variant in disease. Therefore, it has been classified as a Variant of Uncertain Significance. Advanced modeling of protein sequence and biophysical properties (such as structural, functional, and spatial information, amino acid conservation, physicochemical variation, residue mobility, and thermodynamic stability) performed at Invitae indicates that this missense variant is not expected to disrupt BRCA2 protein function. This variant has not been reported in the literature in individuals with BRCA2-related conditions. This variant is not present in population databases (ExAC no frequency). This sequence change replaces threonine with serine at codon 874 of the BRCA2 protein (p.Thr874Ser). The threonine residue is moderately conserved and there is a small physicochemical difference between threonine and serine.